The following is an entry in ClinVar:

NM_000548.5(TSC2):c.2057_2068dup (p.Tyr686_Leu689dup)

Gene: TSC2 (TSC complex subunit 2; plus strand). Cytogenetic location: 16p13.3.
Variant type: Duplication.
Coding change: c.2057_2068dup on transcript NM_000548.5 (MANE Select); coding-DNA positions 2057 to 2068, 12 bases duplicated (ACTCCCTGCTCT).
Protein change: p.Tyr686_Leu689dup.
Molecular consequence: inframe insertion.
Genome position (GRCh38, 1-based): chr16:2,071,894-2,071,905, ACTCCCTGCTCT duplicated; duplicating any 12 consecutive bases within chr16:2,071,892-2,071,905 gives the same sequence; the c. name uses the placement nearest the transcript's 3' end. VCF-style (leftmost placement, unchanged base first): chr16-2071891-C-CCTACTCCCTGCT. GRCh37 (hg19) VCF-style: chr16-2121892-C-CCTACTCCCTGCT.
Other names: c.2057_2068dup, p.Tyr686_Leu689dup (NM_001077183.3, NM_001114382.3, NM_001363528.2 and 3 more transcripts); c.1946_1957dup, p.Tyr649_Leu652dup (NM_001318827.2); c.1910_1921dup, p.Tyr637_Leu640dup (NM_001318829.2); c.1457_1468dup, p.Tyr486_Leu489dup (NM_001318831.2); c.2090_2101dup, p.Tyr697_Leu700dup (NM_001318832.2); c.2057_2068dupACTCCCTGCTCT (NM_000548.3).
Identifiers: ClinVar variation 1510975 (VCV001510975.8), dbSNP rs2151307509, ClinGen allele CA2573151571.

ClinVar aggregate classification (germline): Uncertain significance. Review status: criteria provided, multiple submitters, no conflicts (2 of 4 stars). 3 submissions from 3 submitters: Uncertain significance (3). Last evaluated 2025-01-24.

Conditions:
Hereditary cancer-predisposing syndrome. Also called: Neoplastic Syndromes, Hereditary; Hereditary Cancer Syndrome; Tumor predisposition; Hereditary neoplastic syndrome. Identifiers: Orphanet 140162, MedGen C0027672, MeSH D009386, MONDO:0015356.
Lymphangiomyomatosis (LAM). Also called: Lymphangioleiomyomatosis; Lymphangioleiomyomatosis, somatic. Identifiers: Orphanet 538, MedGen C0751674, MONDO:0011705, OMIM 606690.
Tuberous sclerosis 2 (TSC2). Identifiers: Orphanet 805, MedGen C1860707, MONDO:0013199, OMIM 613254.
Isolated focal cortical dysplasia type II (FCORD2). Also called: Focal cortical dysplasia type II; CORTICAL DYSPLASIA OF TAYLOR. Identifiers: Orphanet 268994, MedGen C1846385, MONDO:0011818, OMIM 607341, HP:0032051.

Submissions (3):

Ambry Genetics
Classification: Uncertain significance for Hereditary cancer-predisposing syndrome. Last evaluated: 2025-01-24. Review status: criteria provided, single submitter. Criteria: Ambry Variant Classification Scheme 2023. Collection method: clinical testing. Allele origin: germline.
Comment: The c.2057_2068dup12 variant (also known as p.Y686_L689dup), located in coding exon 18 of the TSC2 gene, results from an in-frame duplication of 12 nucleotides at nucleotide positions 2057 to 2068. This results in the duplication of 4 amino acids at codons 686 and 689. In addition, this alteration is predicted to be deleterious by in silico analysis (Choi Y et al. PLoS ONE. 2012; 7(10):e46688). Based on the available evidence, the clinical significance of this variant remains unclear.

Fulgent Genetics
Classification: Uncertain significance for Lymphangiomyomatosis; Isolated focal cortical dysplasia type II; Tuberous sclerosis 2. Last evaluated: 2023-12-27. Review status: criteria provided, single submitter. Criteria: ACMG Guidelines, 2015. Collection method: clinical testing. Allele origin: germline.

Labcorp Genetics (formerly Invitae), Labcorp
Classification: Uncertain significance for Tuberous sclerosis 2. Last evaluated: 2021-08-07. Review status: criteria provided, single submitter. Criteria: Invitae Variant Classification Sherloc (09022015). Collection method: clinical testing. Allele origin: germline.
Comment: This variant, c.2057_2068dup, results in the insertion of 4 amino acid(s) to the TSC2 protein (p.Tyr686_Leu689dup), but otherwise preserves the integrity of the reading frame. This variant is not present in population databases (ExAC no frequency). This variant has not been reported in the literature in individuals affected with TSC2-related conditions. Experimental studies and prediction algorithms are not available or were not evaluated, and the functional significance of this variant is currently unknown. In summary, the available evidence is currently insufficient to determine the role of this variant in disease. Therefore, it has been classified as a Variant of Uncertain Significance.